The following is an entry in ClinVar:

NM_015466.4(PTPN23):c.1215C>T (p.Pro405=)

Gene: PTPN23 (protein tyrosine phosphatase non-receptor type 23; plus strand). Cytogenetic location: 3p21.31.
Variant type: single nucleotide variant.
Coding change: c.1215C>T on transcript NM_015466.4 (MANE Select); coding-DNA position 1215, C replaced by T.
Protein change: p.Pro405=; no amino-acid change (proline 405 retained).
Molecular consequence: synonymous variant.
Genome position (GRCh38, 1-based): chr3:47,408,375, C>T. VCF-style: chr3-47408375-C-T. GRCh37 (hg19) VCF-style: chr3-47449865-C-T.
Other names: c.837C>T, p.Pro279= (NM_001304482.2).
Identifiers: ClinVar variation 1636999 (VCV001636999.32), dbSNP rs201767013, ClinGen allele CA2365683.
Genomic context (GRCh38, chr3:47,408,375, plus strand): 5'-GCACCCACCTGGCCCTGTTGCTCCCCACAGCCAGTTCATGGATTCAATGCAGTTGGATCC[C>T]GAGACGGTGGACAACCTTGATGCCTACAGCCACATCCCACCCCAGCTCATGGAGAAGTGC-3'
Protein context (NP_056281.1, residues 395-415): DQFMDSMQLD[Pro405=]ETVDNLDAYS

ClinVar aggregate classification (germline): Likely benign. Review status: criteria provided, multiple submitters, no conflicts (2 of 4 stars). 2 submissions from 2 submitters: Likely benign (2). Last evaluated 2025-12-19.

Allele frequency attached by ClinVar (database versions not stated): ExAC 0.00004; gnomAD 0.00005 and 0.00006; gnomAD exomes 0.00007 and 0.00012; ESP Exome Variant Server 0.00008; TOPMed 0.00010.
gnomAD v4.1: 181 of 1,613,960 alleles (0.011%); highest among the groups gnomAD compares: South Asian, 0.015%; no homozygotes.

Submissions (2):

Labcorp Genetics (formerly Invitae), Labcorp
Classification: Likely benign. Last evaluated: 2025-12-19. Review status: criteria provided, single submitter. Criteria: Invitae Variant Classification Sherloc (09022015). Collection method: clinical testing. Allele origin: germline.

CeGaT Center for Human Genetics Tuebingen
Classification: Likely benign. Last evaluated: 2022-05-01. Review status: criteria provided, single submitter. Criteria: CeGaT Center For Human Genetics Tuebingen Variant Classification Criteria Version 2. Collection method: clinical testing. Allele origin: germline. Affected: yes. Observed: 1 variant allele.
Comment: PTPN23: BP4, BP7